The following is an entry in ClinVar:

ClinVar aggregate classification (germline): Likely benign. Review status: criteria provided, multiple submitters, no conflicts (2 of 4 stars). 3 submissions from 3 submitters: Likely benign (3). Last evaluated 2026-01-25.

Allele frequency attached by ClinVar (database versions not stated): TOPMed 0.00001; ESP Exome Variant Server 0.00008.
gnomAD v4.1: 12 of 1,586,572 alleles (0.00076%); highest among the groups gnomAD compares: Non-Finnish European, 0.001%; no homozygotes.

Submissions (3):

Labcorp Genetics (formerly Invitae), Labcorp
Classification: Likely benign. Last evaluated: 2026-01-25. Review status: criteria provided, single submitter. Criteria: Invitae Variant Classification Sherloc (09022015). Collection method: clinical testing. Allele origin: germline.

Laboratory of Genetics, Children's Clinical University Hospital Latvia
Classification: Likely benign. Last evaluated: 2025-02-16. Review status: criteria provided, single submitter. Criteria: ACMG Guidelines, 2015. Collection method: clinical testing. Allele origin: germline. Affected: yes.

CeGaT Center for Human Genetics Tuebingen
Classification: Likely benign. Last evaluated: 2024-06-01. Review status: criteria provided, single submitter. Criteria: CeGaT Center For Human Genetics Tuebingen Variant Classification Criteria Version 2. Collection method: clinical testing. Allele origin: germline. Affected: yes. Observed: 1 variant allele.
Comment: IKZF1: BP4, BP7

NM_006060.6(IKZF1):c.1008C>T (p.Gly336=)

Gene: IKZF1 (IKAROS family zinc finger 1; plus strand). Cytogenetic location: 7p12.2.
Variant type: single nucleotide variant.
Coding change: c.1008C>T on transcript NM_006060.6 (MANE Select); coding-DNA position 1008, C replaced by T.
Protein change: p.Gly336=; no amino-acid change (glycine 336 retained).
Molecular consequence: synonymous variant.
Genome position (GRCh38, 1-based): chr7:50,400,075, C>T. VCF-style: chr7-50400075-C-T. GRCh37 (hg19) VCF-style: chr7-50467773-C-T.
Other names: c.882C>T, p.Gly294= (NM_001220765.3, NM_001291837.2); c.717C>T, p.Gly239= (NM_001220767.2); c.747C>T, p.Gly249= (NM_001220768.2, NM_001291838.2); c.591C>T, p.Gly197= (NM_001220770.2); c.579C>T, p.Gly193= (NM_001220771.2, NM_001291841.1); c.621C>T, p.Gly207= (NM_001291839.2); c.318C>T, p.Gly106= (NM_001291840.1); c.549C>T, p.Gly183= (NM_001291842.1); and 3 more.
Identifiers: ClinVar variation 2031963 (VCV002031963.23), dbSNP rs371831290, ClinGen allele CA158198139.